The following is an entry in ClinVar:

NM_001256789.3(CACNA1F):c.2286C>G (p.Gly762=)

Gene: CACNA1F (calcium voltage-gated channel subunit alpha1 F; minus strand). Cytogenetic location: Xp11.23.
Variant type: single nucleotide variant.
Coding change: c.2286C>G on transcript NM_001256789.3 (MANE Select); coding-DNA position 2286, C replaced by G.
Protein change: p.Gly762=; no amino-acid change (glycine 762 retained).
Molecular consequence: synonymous variant.
Genome position (GRCh38, 1-based): chrX:49,222,524, G>C on the plus strand (C>G on the coding strand, the complement: CACNA1F is on the minus strand). VCF-style: chrX-49222524-G-C. GRCh37 (hg19) VCF-style: chrX-49078983-G-C.
Other names: c.2124C>G, p.Gly708= (NM_001256790.3); c.2319C>G, p.Gly773= (NM_005183.4).
Identifiers: ClinVar variation 4765425 (VCV004765425.1).
Genomic context (GRCh38, chrX:49,222,524, plus strand): 5'-GGGTTCCCAGTCAGGGATCCCAGAGAGAGACTGTGTTAGGGGTGGAGCCAGATCTCACCC[G>C]CCCTTGTCCTTGGCAGTGCCTGCATCTCCACTGGCCAGGTTGTCCACAGCAATGGCAAGA-3'
Protein context (NP_001243718.1, residues 752-772): SGDAGTAKDK[Gly762=]GEKSNEKDLP

ClinVar aggregate classification (germline): Uncertain significance (1 of 4 stars; one submission).

gnomAD v4.1: 3 of 1,206,352 alleles (0.00025%); highest among the groups gnomAD compares: Admixed American, 0.0065%; no homozygotes.

Submission:

Labcorp Genetics (formerly Invitae), Labcorp
Classification: Uncertain significance. Last evaluated: 2025-03-10. Review status: criteria provided, single submitter. Criteria: Invitae Variant Classification Sherloc (09022015). Collection method: clinical testing. Allele origin: germline.
Comment: This sequence change affects codon 773 of the CACNA1F mRNA. It is a 'silent' change, meaning that it does not change the encoded amino acid sequence of the CACNA1F protein. This variant is not present in population databases (gnomAD no frequency). This variant has not been reported in the literature in individuals affected with CACNA1F-related conditions. Algorithms developed to predict the effect of sequence changes on RNA splicing suggest that this variant may disrupt the consensus splice site. In summary, the available evidence is currently insufficient to determine the role of this variant in disease. Therefore, it has been classified as a Variant of Uncertain Significance.